The following is an entry in ClinVar:

NM_032578.4(MYPN):c.2808G>T (p.Glu936Asp)

Gene: MYPN (myopalladin; plus strand). Cytogenetic location: 10q21.3.
Variant type: single nucleotide variant.
Coding change: c.2808G>T on transcript NM_032578.4 (MANE Select); coding-DNA position 2808, G replaced by T.
Protein change: p.Glu936Asp; replaces glutamic acid 936 with aspartic acid.
Molecular consequence: missense variant. On other transcripts: non-coding transcript variant (2).
Genome position (GRCh38, 1-based): chr10:68,189,009, G>T. VCF-style: chr10-68189009-G-T. GRCh37 (hg19) VCF-style: chr10-69948766-G-T.
Other names: c.2808G>T, p.Glu936Asp (NM_001256267.2); c.1926G>T, p.Glu642Asp (NM_001256268.2); short protein forms E642D, E936D.
Identifiers: ClinVar variation 643094 (VCV000643094.8), dbSNP rs753424932, ClinGen allele CA376853549.

ClinVar aggregate classification (germline): Uncertain significance (1 of 4 stars; one submission).

Conditions:
Dilated cardiomyopathy 1KK (CMD1KK). Identifiers: Orphanet 154, Orphanet 75249, MedGen C3714995, MONDO:0014100, OMIM 615248.

Submission:

Labcorp Genetics (formerly Invitae), Labcorp
Classification: Uncertain significance for Dilated cardiomyopathy 1KK. Last evaluated: 2024-09-05. Review status: criteria provided, single submitter. Criteria: Invitae Variant Classification Sherloc (09022015). Collection method: clinical testing. Allele origin: germline.
Comment: This sequence change replaces glutamic acid, which is acidic and polar, with aspartic acid, which is acidic and polar, at codon 936 of the MYPN protein (p.Glu936Asp). This variant is not present in population databases (gnomAD no frequency). This variant has not been reported in the literature in individuals affected with MYPN-related conditions. ClinVar contains an entry for this variant (Variation ID: 643094). An algorithm developed to predict the effect of missense changes on protein structure and function (PolyPhen-2) suggests that this variant is likely to be tolerated. In summary, the available evidence is currently insufficient to determine the role of this variant in disease. Therefore, it has been classified as a Variant of Uncertain Significance.